The following is an entry in ClinVar:

NM_000297.4(PKD2):c.2358+5G>A

Gene: PKD2 (polycystin 2, transient receptor potential cation channel; plus strand). Cytogenetic location: 4q22.1.
Variant type: single nucleotide variant.
Coding change: c.2358+5G>A on transcript NM_000297.4 (MANE Select); 5 bases into the intron after coding-DNA position 2358, G replaced by A.
Molecular consequence: intron variant.
Genome position (GRCh38, 1-based): chr4:88,065,884, G>A. VCF-style: chr4-88065884-G-A. GRCh37 (hg19) VCF-style: chr4-88987036-G-A.
Identifiers: ClinVar variation 1023555 (VCV001023555.12), dbSNP rs1720774022, ClinGen allele CA1474588160.
Genomic context (GRCh38, chr4:88,065,884, plus strand): 5'-AAGAACTGACCGAACATGAACATCAGCAGATGAGAGACGACTTGGAGAAAGAGAGGGTGG[G>A]TCTGGTTTAGGAGAACCGGATTTGATTTGGTACCTACAACACCACAGATGTATCAAACAC-3'

ClinVar aggregate classification (germline): Conflicting classifications of pathogenicity. Review status: criteria provided, conflicting classifications (1 of 4 stars). 3 submissions from 3 submitters: Likely pathogenic (1); Uncertain significance (2). Last evaluated 2024-08-12.

Conditions:
Polycystic kidney disease 2 (PKD2). Also called: POLYCYSTIC KIDNEY DISEASE, ADULT, TYPE II; POLYCYSTIC KIDNEY DISEASE 2 WITH OR WITHOUT POLYCYSTIC LIVER DISEASE; Polycystic Kidney Disease 2, Autosomal Dominant. Identifiers: MedGen C2751306, MONDO:0013131, OMIM 613095.
Autosomal dominant polycystic kidney disease. Identifiers: Orphanet 730, MedGen C0085413, MONDO:0004691.

Submissions (3):

Blueprint Genetics
Classification: Uncertain significance. Last evaluated: 2024-08-12. Review status: criteria provided, single submitter. Criteria: ACMG Guidelines, 2015. Collection method: clinical testing. Allele origin: germline.

Fulgent Genetics
Classification: Likely pathogenic for Polycystic kidney disease 2. Last evaluated: 2024-03-25. Review status: criteria provided, single submitter. Criteria: ACMG Guidelines, 2015. Collection method: clinical testing. Allele origin: germline.

Labcorp Genetics (formerly Invitae), Labcorp
Classification: Uncertain significance for Autosomal dominant polycystic kidney disease. Last evaluated: 2020-01-26. Review status: criteria provided, single submitter. Criteria: Invitae Variant Classification Sherloc (09022015). Collection method: clinical testing. Allele origin: germline.
Comment: This sequence change falls in intron 12 of the PKD2 gene. It does not directly change the encoded amino acid sequence of the PKD2 protein, but it affects a nucleotide within the consensus splice site of the intron. In summary, the available evidence is currently insufficient to determine the role of this variant in disease. Therefore, it has been classified as a Variant of Uncertain Significance. Nucleotide substitutions within the consensus splice site are a relatively common cause of aberrant splicing (PMID: 17576681, 9536098). Algorithms developed to predict the effect of sequence changes on RNA splicing suggest that this variant may disrupt the consensus splice site, but this prediction has not been confirmed by published transcriptional studies. This variant has not been reported in the literature in individuals with PKD2-related conditions. This variant is not present in population databases (ExAC no frequency).

Literature cited by the submitters: PubMed 17576681 (cited by Labcorp Genetics (formerly Invitae), Labcorp); PubMed 9536098 (cited by Labcorp Genetics (formerly Invitae), Labcorp).